The following is an entry in ClinVar:

NM_001135998.3(NDUFB11):c.207+16_207+17insT

Gene: NDUFB11 (NADH:ubiquinone oxidoreductase subunit B11; minus strand). Cytogenetic location: Xp11.3.
Variant type: Insertion.
Coding change: c.207+16_207+17insT on transcript NM_001135998.3 (MANE Select); bases 16 to 17 of the intron after coding-DNA position 207, T inserted.
Molecular consequence: intron variant.
Genome position: GRCh38 VCF-style: chrX-47144456-C-CA. GRCh37 (hg19) VCF-style: chrX-47003855-C-CA.
Other names: c.207+16_207+17insT (NM_019056.7).
Identifiers: ClinVar variation 4535912 (VCV004535912.1).
Genomic context (GRCh38, chrX:47,144,456, plus strand): 5'-CGCCCCATCTGCCGATCCCGGACTGACCCCTTCGGGGTTCCGTCCCCACTACCCCCCCCC[C>CA]CCCCCCCGCCTCTCACCTTCTCATACAAGTTTTCGTCCTCGGGTTCTGGGTCCTCTTGCC-3'

ClinVar aggregate classification (germline): Likely benign (1 of 4 stars; one submission).

Submission:

Women's Health and Genetics/Laboratory Corporation of America, LabCorp
Classification: Likely benign. Last evaluated: 2025-09-02. Review status: criteria provided, single submitter. Criteria: LabCorp Variant Classification Summary - May 2015. Collection method: clinical testing. Allele origin: germline.
Comment: Variant summary: NDUFB11 c.207+16_207+17insT alters a nucleotide located at a position not widely known to affect splicing. Consensus agreement among computation tools predict no significant impact on normal splicing. However, these predictions have yet to be confirmed by functional studies. The variant was absent in 2306 control chromosomes. The available data on variant occurrences in the general population are insufficient to allow any conclusion about variant significance. To our knowledge, no occurrence of c.207+16_207+17insT in individuals affected with NDUFB11-related conditions and no experimental evidence demonstrating its impact on protein function have been reported. No submitters have cited clinical-significance assessments for this variant to ClinVar. Based on the evidence outlined above, the variant was classified as likely benign.